The following is an entry in ClinVar:

ClinVar aggregate classification (germline): Uncertain significance (1 of 4 stars; one submission).

Conditions:
Developmental and epileptic encephalopathy, 12 (DEE12). Identifiers: MedGen C3150988, MONDO:0013389, OMIM 613722.

Allele frequency attached by ClinVar (database versions not stated): ExAC 0.00002.
gnomAD v4.1: 13 of 1,612,730 alleles (0.00081%); highest among the groups gnomAD compares: South Asian, 0.014%; no homozygotes.

Submission:

Labcorp Genetics (formerly Invitae), Labcorp
Classification: Uncertain significance for Developmental and epileptic encephalopathy, 12. Last evaluated: 2023-11-27. Review status: criteria provided, single submitter. Criteria: Invitae Variant Classification Sherloc (09022015). Collection method: clinical testing. Allele origin: germline.
Comment: This sequence change replaces isoleucine, which is neutral and non-polar, with leucine, which is neutral and non-polar, at codon 1039 of the PLCB1 protein (p.Ile1039Leu). This variant is present in population databases (rs763915322, gnomAD 0.02%). This variant has not been reported in the literature in individuals affected with PLCB1-related conditions. ClinVar contains an entry for this variant (Variation ID: 2167383). Advanced modeling of protein sequence and biophysical properties (such as structural, functional, and spatial information, amino acid conservation, physicochemical variation, residue mobility, and thermodynamic stability) performed at Invitae indicates that this missense variant is not expected to disrupt PLCB1 protein function with a negative predictive value of 80%. In summary, the available evidence is currently insufficient to determine the role of this variant in disease. Therefore, it has been classified as a Variant of Uncertain Significance.

NM_015192.4(PLCB1):c.3115A>C (p.Ile1039Leu)

Gene: PLCB1 (phospholipase C beta 1; plus strand). Cytogenetic location: 20p12.3.
Variant type: single nucleotide variant.
Coding change: c.3115A>C on transcript NM_015192.4 (MANE Select); coding-DNA position 3115, A replaced by C.
Protein change: p.Ile1039Leu; replaces isoleucine 1039 with leucine.
Molecular consequence: missense variant.
Genome position (GRCh38, 1-based): chr20:8,788,452, A>C. VCF-style: chr20-8788452-A-C. GRCh37 (hg19) VCF-style: chr20-8769099-A-C.
Other names: c.3115A>C, p.Ile1039Leu (NM_182734.3); short protein forms I1039L.
Identifiers: ClinVar variation 2167383 (VCV002167383.4), dbSNP rs763915322, ClinGen allele CA9760465.
Genomic context (GRCh38, chr20:8,788,452, plus strand): 5'-GAAGGAAGCTCTGTTTGCAATCATTTGAAATAGCAAACTGACATTTTCTTTTTCCAGCTT[A>C]TTCAAAAGTTGACGGATGTCGCAGAAGAGTGTCAGAACAATCAGTTAAAGAAGCTCAAAG-3'
Protein context (NP_056007.1, residues 1029-1049): YQKREHIKLL[Ile1039Leu]QKLTDVAEEC